The following is an entry in ClinVar:

ClinVar aggregate classification (germline): Uncertain significance. Review status: criteria provided, multiple submitters, no conflicts (2 of 4 stars). 2 submissions from 2 submitters: Uncertain significance (2). Last evaluated 2024-05-08.

Conditions:
Inborn genetic diseases. Identifiers: MedGen C0950123, MeSH D030342.

Allele frequency attached by ClinVar (database versions not stated): gnomAD exomes below 0.00001; gnomAD 0.00001; TOPMed 0.00002; ESP Exome Variant Server 0.00008.
gnomAD v4.1: 8 of 1,614,044 alleles (0.0005%); highest among the groups gnomAD compares: East Asian, 0.0067%; no homozygotes.

Submissions (2):

Ambry Genetics
Classification: Uncertain significance for Inborn genetic diseases. Last evaluated: 2024-05-08. Review status: criteria provided, single submitter. Criteria: Ambry Variant Classification Scheme 2023. Collection method: clinical testing. Allele origin: germline.

Labcorp Genetics (formerly Invitae), Labcorp
Classification: Uncertain significance. Last evaluated: 2021-09-24. Review status: criteria provided, single submitter. Criteria: Invitae Variant Classification Sherloc (09022015). Collection method: clinical testing. Allele origin: germline.
Comment: This sequence change replaces leucine with phenylalanine at codon 489 of the DUOX2 protein (p.Leu489Phe). The leucine residue is moderately conserved and there is a small physicochemical difference between leucine and phenylalanine. This variant is not present in population databases (ExAC no frequency). This variant has not been reported in the literature in individuals with DUOX2-related conditions. Advanced modeling of protein sequence and biophysical properties (such as structural, functional, and spatial information, amino acid conservation, physicochemical variation, residue mobility, and thermodynamic stability) performed at Invitae indicates that this missense variant is not expected to disrupt DUOX2 protein function. In summary, the available evidence is currently insufficient to determine the role of this variant in disease. Therefore, it has been classified as a Variant of Uncertain Significance.

NM_001363711.2(DUOX2):c.1465C>T (p.Leu489Phe)

Gene: DUOX2 (dual oxidase 2; minus strand). Cytogenetic location: 15q21.1.
Variant type: single nucleotide variant.
Coding change: c.1465C>T on transcript NM_001363711.2 (MANE Select); coding-DNA position 1465, C replaced by T.
Protein change: p.Leu489Phe; replaces leucine 489 with phenylalanine.
Molecular consequence: missense variant.
Genome position (GRCh38, 1-based): chr15:45,108,156, G>A on the plus strand (C>T on the coding strand, the complement: DUOX2 is on the minus strand). VCF-style: chr15-45108156-G-A. GRCh37 (hg19) VCF-style: chr15-45400354-G-A.
Other names: c.1465C>T, p.Leu489Phe (NM_014080.5); c.1465C>T (NM_014080.4); short protein forms L489F.
Identifiers: ClinVar variation 1396197 (VCV001396197.6), dbSNP rs372981203, ClinGen allele CA270131550.